The following is an entry in ClinVar:

NM_001868.4(CPA1):c.1129T>C (p.Phe377Leu)

Gene: CPA1 (carboxypeptidase A1; plus strand). Cytogenetic location: 7q32.2.
Variant type: single nucleotide variant.
Coding change: c.1129T>C on transcript NM_001868.4 (MANE Select); coding-DNA position 1129, T replaced by C.
Protein change: p.Phe377Leu; replaces phenylalanine 377 with leucine.
Molecular consequence: missense variant.
Genome position (GRCh38, 1-based): chr7:130,387,880, T>C. VCF-style: chr7-130387880-T-C. GRCh37 (hg19) VCF-style: chr7-130027721-T-C.
Other names: c.1129T>C (NM_001868.2); short protein forms F377L.
Identifiers: ClinVar variation 2421024 (VCV002421024.8), dbSNP rs2536015320, ClinGen allele CA369284300.

ClinVar aggregate classification (germline): Uncertain significance. Review status: criteria provided, multiple submitters, no conflicts (2 of 4 stars). 2 submissions from 2 submitters: Uncertain significance (2). Last evaluated 2023-07-18.

Conditions:
Hereditary pancreatitis (PCTT). Also called: Hereditary chronic pancreatitis; PRSS1-Related Hereditary Pancreatitis. Identifiers: Orphanet 676, MedGen C0238339, MONDO:0008185, OMIM 167800.

Allele frequency attached by ClinVar (database versions not stated): gnomAD exomes below 0.00001.

Submissions (2):

Ambry Genetics
Classification: Uncertain significance for Hereditary pancreatitis. Last evaluated: 2023-07-18. Review status: criteria provided, single submitter. Criteria: Ambry Variant Classification Scheme 2023. Collection method: clinical testing. Allele origin: germline.
Comment: The p.F377L variant (also known as c.1129T>C), located in coding exon 10 of the CPA1 gene, results from a T to C substitution at nucleotide position 1129. The phenylalanine at codon 377 is replaced by leucine, an amino acid with highly similar properties. This amino acid position is conserved. In addition, this alteration is predicted to be tolerated by in silico analysis. Since supporting evidence is limited at this time, the clinical significance of this alteration remains unclear.

Labcorp Genetics (formerly Invitae), Labcorp
Classification: Uncertain significance. Last evaluated: 2022-10-25. Review status: criteria provided, single submitter. Criteria: Invitae Variant Classification Sherloc (09022015). Collection method: clinical testing. Allele origin: germline.
Comment: This sequence change replaces phenylalanine, which is neutral and non-polar, with leucine, which is neutral and non-polar, at codon 377 of the CPA1 protein (p.Phe377Leu). This variant is not present in population databases (gnomAD no frequency). This variant has not been reported in the literature in individuals affected with CPA1-related conditions. Advanced modeling of protein sequence and biophysical properties (such as structural, functional, and spatial information, amino acid conservation, physicochemical variation, residue mobility, and thermodynamic stability) performed at Invitae indicates that this missense variant is not expected to disrupt CPA1 protein function. In summary, the available evidence is currently insufficient to determine the role of this variant in disease. Therefore, it has been classified as a Variant of Uncertain Significance.